The following is an entry in ClinVar:

NM_015331.3(NCSTN):c.86G>T (p.Gly29Val)

Gene: NCSTN (nicastrin; plus strand). Cytogenetic location: 1q23.2.
Variant type: single nucleotide variant.
Coding change: c.86G>T on transcript NM_015331.3 (MANE Select); coding-DNA position 86, G replaced by T.
Protein change: p.Gly29Val; replaces glycine 29 with valine.
Molecular consequence: missense variant.
Genome position (GRCh38, 1-based): chr1:160,344,722, G>T. VCF-style: chr1-160344722-G-T. GRCh37 (hg19) VCF-style: chr1-160314512-G-T.
Other names: c.26G>T, p.Ser9Ile (NM_001290184.2); c.86G>T, p.Gly29Val (NM_001290186.2, NM_001349729.2); short protein forms G29V, S9I.
Identifiers: ClinVar variation 1919182 (VCV001919182.7), dbSNP rs920000413, ClinGen allele CA31530932.

ClinVar aggregate classification (germline): Uncertain significance. Review status: criteria provided, multiple submitters, no conflicts (2 of 4 stars). 2 submissions from 2 submitters: Uncertain significance (2). Last evaluated 2025-04-28.

Allele frequency attached by ClinVar (database versions not stated): gnomAD exomes below 0.00001.

Submissions (2):

Dasa
Classification: Uncertain significance. Last evaluated: 2025-04-28. Review status: criteria provided, single submitter. Criteria: DASA Assertion Criteria. Collection method: clinical testing. Allele origin: germline.
Comment: NM_015331.3(NCSTN):c.86G>T (p.Gly29Val) is a missense variant that results in the substitution of glycine with valine. This variant is rare in population databases. Computational prediction algorithms are consistent with a benign effect. The currently available literature and clinical evidence are not sufficient to establish a definitive association between this variant and the reported condition. Therefore, this variant is classified as a variant of uncertain significance.

Labcorp Genetics (formerly Invitae), Labcorp
Classification: Uncertain significance. Last evaluated: 2022-06-10. Review status: criteria provided, single submitter. Criteria: Invitae Variant Classification Sherloc (09022015). Collection method: clinical testing. Allele origin: germline.
Comment: In summary, the available evidence is currently insufficient to determine the role of this variant in disease. Therefore, it has been classified as a Variant of Uncertain Significance. Algorithms developed to predict the effect of sequence changes on RNA splicing suggest that this variant may disrupt the consensus splice site. Algorithms developed to predict the effect of missense changes on protein structure and function are either unavailable or do not agree on the potential impact of this missense change (SIFT: "Deleterious"; PolyPhen-2: "Possibly Damaging"; Align-GVGD: "Class C0"). This variant has not been reported in the literature in individuals affected with NCSTN-related conditions. This variant is present in population databases (no rsID available, gnomAD 0.0009%). This sequence change replaces glycine, which is neutral and non-polar, with valine, which is neutral and non-polar, at codon 29 of the NCSTN protein (p.Gly29Val).